The following is an entry in ClinVar:

ClinVar aggregate classification (germline): Benign/Likely benign. Review status: criteria provided, multiple submitters, no conflicts (2 of 4 stars). 5 submissions from 5 submitters: Benign (1); Likely benign (3). 1 of the submissions does not count toward it. Last evaluated 2025-11-01.

Conditions:
Postaxial polydactyly-anterior pituitary anomalies-facial dysmorphism syndrome. Also called: Culler-Jones syndrome. Identifiers: Orphanet 420584, MedGen C4014479, MONDO:0014369, OMIM 615849.
Holoprosencephaly 9 (HPE9). Also called: HOLOPROSENCEPHALY WITH MICROPHTHALMIA AND FIRST BRANCHIAL ARCH ANOMALIES; PITUITARY ANOMALIES WITH HOLOPROSENCEPHALY-LIKE FEATURES. Identifiers: Orphanet 2162, MedGen C1835819, MONDO:0012563, OMIM 610829.
GLI2-related disorder. Also called: GLI2-related condition; GLI2-related disorders.

Allele frequency attached by ClinVar (database versions not stated): TOPMed 0.00001; gnomAD 0.00005 and 0.00016; gnomAD exomes 0.00016 and 0.00034; 1000 Genomes Project 0.00020; 1000 Genomes Project 30x 0.00031; ExAC 0.00038.
gnomAD v4.1: 250 of 1,613,440 alleles (0.015%); highest among the groups gnomAD compares: South Asian, 0.23%; 2 homozygotes.

Submissions (5):

CeGaT Center for Human Genetics Tuebingen
Classification: Likely benign. Last evaluated: 2025-11-01. Review status: criteria provided, single submitter. Criteria: CeGaT Center For Human Genetics Tuebingen Variant Classification Criteria Version 2. Collection method: clinical testing. Allele origin: germline. Affected: yes. Observed: 2 variant alleles.
Comment: GLI2: BP4, BP7

Blueprint Genetics
Classification: Likely benign. Last evaluated: 2024-02-05. Review status: criteria provided, single submitter. Criteria: ACMG Guidelines, 2015. Collection method: clinical testing. Allele origin: germline.

Labcorp Genetics (formerly Invitae), Labcorp
Classification: Benign for Postaxial polydactyly-anterior pituitary anomalies-facial dysmorphism syndrome; Holoprosencephaly 9. Last evaluated: 2023-06-30. Review status: criteria provided, single submitter. Criteria: Invitae Variant Classification Sherloc (09022015). Collection method: clinical testing. Allele origin: germline.

Illumina Laboratory Services, Illumina
Classification: Likely benign for Holoprosencephaly 9. Last evaluated: 2018-01-13. Review status: criteria provided, single submitter. Criteria: ICSL Variant Classification Criteria 13 December 2019. Collection method: clinical testing. Allele origin: germline.
Comment: This variant was observed in the ICSL laboratory as part of a predisposition screen in an ostensibly healthy population. It had not been previously curated by ICSL or reported in the Human Gene Mutation Database (HGMD: prior to June 1st, 2018), and was therefore a candidate for classification through an automated scoring system. Utilizing variant allele frequency, disease prevalence and penetrance estimates, and inheritance mode, an automated score was calculated to assess if this variant is too frequent to cause the disease. Based on the score and internal cut-off values, a variant classified as likely benign is not then subjected to further curation. The score for this variant resulted in a classification of likely benign for this disease.

PreventionGenetics, part of Exact Sciences
Classification: Likely benign for GLI2-related condition. Last evaluated: 2020-10-30. Review status: no assertion criteria provided. Collection method: clinical testing. Allele origin: germline. Not counted in ClinVar's aggregate classification.
Comment: This variant is classified as likely benign based on ACMG/AMP sequence variant interpretation guidelines (Richards et al. 2015 PMID: 25741868, with internal and published modifications).

NM_001374353.1(GLI2):c.1947C>T (p.Ser649=)

Gene: GLI2 (GLI family zinc finger 2; plus strand). Cytogenetic location: 2q14.2.
Variant type: single nucleotide variant.
Coding change: c.1947C>T on transcript NM_001374353.1 (MANE Select); coding-DNA position 1947, C replaced by T.
Protein change: p.Ser649=; no amino-acid change (serine 649 retained).
Molecular consequence: synonymous variant.
Genome position (GRCh38, 1-based): chr2:120,986,319, C>T. VCF-style: chr2-120986319-C-T. GRCh37 (hg19) VCF-style: chr2-121743895-C-T.
Other names: c.1998C>T, p.Ser666= (NM_001371271.1, NM_005270.5); c.1572C>T, p.Ser524= (NM_001374354.1).
Identifiers: ClinVar variation 894224 (VCV000894224.18), dbSNP rs528985094, ClinGen allele CA1852094.